The following is an entry in ClinVar:

NM_007227.3(GPR45):c.791A>G (p.Lys264Arg)

Gene: GPR45 (G protein-coupled receptor 45; plus strand). Cytogenetic location: 2q12.1.
Variant type: single nucleotide variant.
Coding change: c.791A>G on transcript NM_007227.3 (MANE Select); coding-DNA position 791, A replaced by G.
Protein change: p.Lys264Arg; replaces lysine 264 with arginine.
Molecular consequence: missense variant.
Genome position (GRCh38, 1-based): chr2:105,242,649, A>G. VCF-style: chr2-105242649-A-G. GRCh37 (hg19) VCF-style: chr2-105859106-A-G.
Other names: short protein forms K264R.
Identifiers: ClinVar variation 2129667 (VCV002129667.4), dbSNP rs1211963159, ClinGen allele CA348101234.

ClinVar aggregate classification (germline): Uncertain significance (1 of 4 stars; one submission).

Allele frequency attached by ClinVar (database versions not stated): TOPMed below 0.00001; gnomAD 0.00001.

Submission:

Labcorp Genetics (formerly Invitae), Labcorp
Classification: Uncertain significance. Last evaluated: 2022-04-23. Review status: criteria provided, single submitter. Criteria: Invitae Variant Classification Sherloc (09022015). Collection method: clinical testing. Allele origin: germline.
Comment: This variant has not been reported in the literature in individuals affected with GPR45-related conditions. Algorithms developed to predict the effect of missense changes on protein structure and function output the following: SIFT: "Tolerated"; PolyPhen-2: "Benign"; Align-GVGD: "Class C0". The arginine amino acid residue is found in multiple mammalian species, which suggests that this missense change does not adversely affect protein function. In summary, the available evidence is currently insufficient to determine the role of this variant in disease. Therefore, it has been classified as a Variant of Uncertain Significance. This sequence change replaces lysine, which is basic and polar, with arginine, which is basic and polar, at codon 264 of the GPR45 protein (p.Lys264Arg). This variant is not present in population databases (gnomAD no frequency).